The following is an entry in ClinVar:

ClinVar aggregate classification (germline): Uncertain significance. Review status: criteria provided, multiple submitters, no conflicts (2 of 4 stars). 2 submissions from 2 submitters: Uncertain significance (2). Last evaluated 2024-09-05.

Conditions:
Sotos syndrome (SOTOS). Also called: Distinctive facial appearance, overgrowth in childhood, and learning disabilities or delayed development; SOTOS SYNDROME 1; CHROMOSOME 5q35 DELETION SYNDROME; CEREBRAL GIGANTISM; Sotos' syndrome. Identifiers: Orphanet 821, MedGen C0175695, MONDO:0019349, OMIM 117550.

gnomAD v4.1: 2 of 1,613,688 alleles (0.00012%); highest among the groups gnomAD compares: Admixed American, 0.0017%; no homozygotes.

Submissions (2):

Labcorp Genetics (formerly Invitae), Labcorp
Classification: Uncertain significance. Last evaluated: 2024-09-05. Review status: criteria provided, single submitter. Criteria: Invitae Variant Classification Sherloc (09022015). Collection method: clinical testing. Allele origin: germline.
Comment: This sequence change replaces alanine, which is neutral and non-polar, with valine, which is neutral and non-polar, at codon 60 of the NSD1 protein (p.Ala60Val). This variant is not present in population databases (gnomAD no frequency). This variant has not been reported in the literature in individuals affected with NSD1-related conditions. Invitae Evidence Modeling of protein sequence and biophysical properties (such as structural, functional, and spatial information, amino acid conservation, physicochemical variation, residue mobility, and thermodynamic stability) indicates that this missense variant is not expected to disrupt NSD1 protein function with a negative predictive value of 95%. In summary, the available evidence is currently insufficient to determine the role of this variant in disease. Therefore, it has been classified as a Variant of Uncertain Significance.

Fulgent Genetics
Classification: Uncertain significance for Sotos syndrome. Last evaluated: 2024-06-24. Review status: criteria provided, single submitter. Criteria: ACMG Guidelines, 2015. Collection method: clinical testing. Allele origin: germline.

NM_022455.5(NSD1):c.179C>T (p.Ala60Val)

Gene: NSD1 (nuclear receptor binding SET domain protein 1; plus strand). Cytogenetic location: 5q35.3.
Variant type: single nucleotide variant.
Coding change: c.179C>T on transcript NM_022455.5 (MANE Select); coding-DNA position 179, C replaced by T.
Protein change: p.Ala60Val; replaces alanine 60 with valine.
Molecular consequence: missense variant. On other transcripts: intron variant (7).
Genome position (GRCh38, 1-based): chr5:177,135,282, C>T. VCF-style: chr5-177135282-C-T. GRCh37 (hg19) VCF-style: chr5-176562283-C-T.
Other names: c.179C>T, p.Ala60Val (NM_001409301.1, NM_001409302.1, NM_001409303.1 and 1 more transcripts); c.-37+82C>T (NM_001409305.1, NM_001409306.1, NM_001409308.1 and 4 more transcripts); short protein forms A60V.
Identifiers: ClinVar variation 3591947 (VCV003591947.3).